The following is an entry in ClinVar:

NM_004036.5(ADCY3):c.1165C>T (p.Leu389Phe)

Gene: ADCY3 (adenylate cyclase 3; minus strand). Cytogenetic location: 2p23.3.
Variant type: single nucleotide variant.
Coding change: c.1165C>T on transcript NM_004036.5 (MANE Select); coding-DNA position 1165, C replaced by T.
Protein change: p.Leu389Phe; replaces leucine 389 with phenylalanine.
Molecular consequence: missense variant.
Genome position (GRCh38, 1-based): chr2:24,841,290, G>A on the plus strand (C>T on the coding strand, the complement: ADCY3 is on the minus strand). VCF-style: chr2-24841290-G-A. GRCh37 (hg19) VCF-style: chr2-25064159-G-A.
Other names: c.1165C>T, p.Leu389Phe (NM_001320613.2, NM_001377128.1, NM_001377129.1 and 2 more transcripts); c.442C>T, p.Leu148Phe (NM_001377131.1); short protein forms L148F, L389F.
Identifiers: ClinVar variation 4981608 (VCV004981608.1).
Genomic context (GRCh38, chr2:24,841,290, plus strand): 5'-AGCCTCCCTCCCAGAGGCATCCCACTTACGAGATGGCCTCCACCATGGCCAGCCCCATGA[G>A]GATGGAGCAGACGGCGTGGTCCTCCCGGTAGTCGGGCAAGCCGCAGATGCAGTAGTAGCA-3'
Protein context (NP_004027.2, residues 379-399): YREDHAVCSI[Leu389Phe]MGLAMVEAIS

ClinVar aggregate classification (germline): Uncertain significance (1 of 4 stars; one submission).

Conditions:
ADCY3-related disorder. Also called: ADCY3-related condition.

gnomAD v4.1: 5 of 1,570,986 alleles (0.00032%); highest among the groups gnomAD compares: Non-Finnish European, 0.00035%; no homozygotes.

Submission:

PreventionGenetics, part of Exact Sciences
Classification: Uncertain significance for ADCY3-related condition. Last evaluated: 2025-12-07. Review status: criteria provided, single submitter. Criteria: ACMG Guidelines, 2015. Collection method: clinical testing. Allele origin: germline.
Comment: The ADCY3 c.1165C>T variant is predicted to result in the amino acid substitution p.Leu389Phe. To our knowledge, this variant has not been reported in the literature or in a large population database (gnomAD), indicating this variant is rare. At this time, the clinical significance of this variant is uncertain due to the absence of conclusive functional and genetic evidence.